The following is an entry in ClinVar:

NM_001035.3(RYR2):c.802_803insAA (p.Ser268Ter)

Gene: RYR2 (ryanodine receptor 2; plus strand). Cytogenetic location: 1q43.
Variant type: Insertion.
Coding change: c.802_803insAA on transcript NM_001035.3 (MANE Select); coding-DNA positions 802 to 803, AA inserted.
Protein change: p.Ser268Ter; replaces serine 268 with a stop codon.
Molecular consequence: nonsense.
Genome position: GRCh38 VCF-style: chr1-237417077-T-TAA. GRCh37 (hg19) VCF-style: chr1-237580377-T-TAA.
Other names: short protein forms S268*.
Identifiers: ClinVar variation 3075626 (VCV003075626.1), dbSNP rs1705080264, ClinGen allele CA1013732548.

ClinVar aggregate classification (germline): Uncertain significance (1 of 4 stars; one submission).

Conditions:
Catecholaminergic polymorphic ventricular tachycardia (CVPT). Also called: Catecholamine-induced polymorphic ventricular tachycardia. Identifiers: Orphanet 3286, MedGen C5574922, MONDO:0017990.

Allele frequency attached by ClinVar (database versions not stated): gnomAD 0.00001.

Submission:

All of Us Research Program, National Institutes of Health
Classification: Uncertain significance for Catecholaminergic polymorphic ventricular tachycardia. Last evaluated: 2023-05-04. Review status: criteria provided, single submitter. Criteria: ACMG Guidelines, 2015. Collection method: clinical testing. Allele origin: germline. Inheritance: Autosomal dominant inheritance. Observed: 1 variant allele, 1 heterozygote.
Comment: This variant introduces a premature protein translation stop codon in the RYR2 gene. This variant is expected to result in an absent or nonfunctional protein product. This variant has not been reported in individuals affected with RYR2-related disorders in the literature. This variant has not been identified in the general population by the Genome Aggregation Database (gnomAD). Clinical relevance of loss-of-function RYR2 truncation variants in autosomal dominant cardiovascular disorders is not clearly established. The available evidence is insufficient to determine the role of this variant in disease conclusively. Therefore, this variant is classified as a Variant of Uncertain Significance.

This study involves interpretation of variants in research participants for the purpose of population health screening. Participant phenotype was not available at the time of variant classification. Additional details can be found in publication PMID: 35346344, PMCID: PMC8962531